The following is an entry in ClinVar:

NM_001277115.2(DNAH11):c.4082G>C (p.Arg1361Thr)

Gene: DNAH11 (dynein axonemal heavy chain 11; plus strand). Cytogenetic location: 7p15.3.
Variant type: single nucleotide variant.
Coding change: c.4082G>C on transcript NM_001277115.2 (MANE Select); coding-DNA position 4082, G replaced by C.
Protein change: p.Arg1361Thr; replaces arginine 1361 with threonine.
Molecular consequence: missense variant.
Genome position (GRCh38, 1-based): chr7:21,616,279, G>C. VCF-style: chr7-21616279-G-C. GRCh37 (hg19) VCF-style: chr7-21655897-G-C.
Other names: c.4082G>C, p.Arg1361Thr (NM_003777.3); short protein forms R1361T.
Identifiers: ClinVar variation 2069569 (VCV002069569.4), dbSNP rs2534693957, ClinGen allele CA366951534.
Genomic context (GRCh38, chr7:21,616,279, plus strand): 5'-ATAATTGGACTAAAACCCAGTGGAGACAGATTCATGTGGAACAGATGGATGTAGAACTCA[G>C]AAGGTTTGCCAAGGCGAGTTCCATAACTGTCTATTACAACAATTTATCTTTCTCAGCACC-3'
Protein context (NP_001264044.1, residues 1351-1371): IHVEQMDVEL[Arg1361Thr]RFAKEIWSLN

ClinVar aggregate classification (germline): Uncertain significance (1 of 4 stars; one submission).

Conditions:
Primary ciliary dyskinesia. Also called: Ciliary dyskinesia. Identifiers: Orphanet 244, MedGen C0008780, MONDO:0016575, HP:0012265.

Submission:

Labcorp Genetics (formerly Invitae), Labcorp
Classification: Uncertain significance for Primary ciliary dyskinesia. Last evaluated: 2023-05-08. Review status: criteria provided, single submitter. Criteria: Invitae Variant Classification Sherloc (09022015). Collection method: clinical testing. Allele origin: germline.
Comment: Advanced modeling of protein sequence and biophysical properties (such as structural, functional, and spatial information, amino acid conservation, physicochemical variation, residue mobility, and thermodynamic stability) performed at Invitae indicates that this missense variant is not expected to disrupt DNAH11 protein function. ClinVar contains an entry for this variant (Variation ID: 2069569). This variant has not been reported in the literature in individuals affected with DNAH11-related conditions. This variant is not present in population databases (gnomAD no frequency). This sequence change replaces arginine, which is basic and polar, with threonine, which is neutral and polar, at codon 1361 of the DNAH11 protein (p.Arg1361Thr). Algorithms developed to predict the effect of sequence changes on RNA splicing suggest that this variant may create or strengthen a splice site. In summary, the available evidence is currently insufficient to determine the role of this variant in disease. Therefore, it has been classified as a Variant of Uncertain Significance.